The following is an entry in ClinVar:

NM_002691.4(POLD1):c.1748G>A (p.Gly583Glu)

Gene: POLD1 (DNA polymerase delta 1, catalytic subunit; plus strand). Cytogenetic location: 19q13.33.
Variant type: single nucleotide variant.
Coding change: c.1748G>A on transcript NM_002691.4 (MANE Select); coding-DNA position 1748, G replaced by A.
Protein change: p.Gly583Glu; replaces glycine 583 with glutamic acid.
Molecular consequence: missense variant. On other transcripts: non-coding transcript variant (1).
Genome position (GRCh38, 1-based): chr19:50,407,388, G>A. VCF-style: chr19-50407388-G-A. GRCh37 (hg19) VCF-style: chr19-50910645-G-A.
Other names: c.1748G>A, p.Gly583Glu (NM_001256849.1, NM_001308632.1); short protein forms G583E.
Identifiers: ClinVar variation 1779330 (VCV001779330.2), dbSNP rs2514003520, ClinGen allele CA406981311.
Genomic context (GRCh38, chr19:50,407,388, plus strand): 5'-CCATGCACGAGGGGCTGCTGATGCCCGTGGTGAAGTCAGAGGGCGGCGAGGACTACACGG[G>A]AGCCACTGTCATCGAGCCCCTCAAAGGGTGAGGCCCCAGGCTGGGTGCAGTTTTTACCTG-3'
Protein context (NP_002682.2, residues 573-593): VKSEGGEDYT[Gly583Glu]ATVIEPLKGY

ClinVar aggregate classification (germline): Uncertain significance (1 of 4 stars; one submission).

Conditions:
Hereditary cancer-predisposing syndrome. Also called: Neoplastic Syndromes, Hereditary; Tumor predisposition; Hereditary Cancer Syndrome; Hereditary neoplastic syndrome. Identifiers: Orphanet 140162, MedGen C0027672, MeSH D009386, MONDO:0015356.

Submission:

Ambry Genetics
Classification: Uncertain significance for Hereditary cancer-predisposing syndrome. Last evaluated: 2021-09-17. Review status: criteria provided, single submitter. Criteria: Ambry Variant Classification Scheme 2023. Collection method: clinical testing. Allele origin: germline.
Comment: The p.G583E variant (also known as c.1748G>A), located in coding exon 13 of the POLD1 gene, results from a G to A substitution at nucleotide position 1748. The glycine at codon 583 is replaced by glutamic acid, an amino acid with similar properties. This amino acid position is conserved. In addition, this alteration is predicted to be deleterious by in silico analysis. Since supporting evidence is limited at this time, the clinical significance of this alteration remains unclear.